The following is an entry in ClinVar:

NM_176822.4(NLRP14):c.1294G>T (p.Ala432Ser)

Gene: NLRP14 (NLR family pyrin domain containing 14; plus strand). Cytogenetic location: 11p15.4.
Variant type: single nucleotide variant.
Coding change: c.1294G>T on transcript NM_176822.4 (MANE Select); coding-DNA position 1294, G replaced by T.
Protein change: p.Ala432Ser; replaces alanine 432 with serine.
Molecular consequence: missense variant.
Genome position (GRCh38, 1-based): chr11:7,043,320, G>T. VCF-style: chr11-7043320-G-T. GRCh37 (hg19) VCF-style: chr11-7064551-G-T.
Other names: short protein forms A432S.
Identifiers: ClinVar variation 789789 (VCV000789789.6), dbSNP rs140537839, ClinGen allele CA5864758.
Genomic context (GRCh38, chr11:7,043,320, plus strand): 5'-GATGGAGGCTCTCCTAGTCTACCCAACCAAGCCCAGCTGAGAAGACTGTGCCAAGTCGCT[G>T]CCAAAGGAATATGGACTATGACTTACGTGTTTTACAGAGAAAATCTCAGAAGGCTTGGGT-3'
Protein context (NP_789792.1, residues 422-442): AQLRRLCQVA[Ala432Ser]KGIWTMTYVF

ClinVar aggregate classification (germline): Benign. Review status: criteria provided, multiple submitters, no conflicts (2 of 4 stars). 3 submissions from 3 submitters: Benign (2). 1 of the submissions does not count toward it. Last evaluated 2017-12-04.

Conditions:
NLRP14-related disorder. Also called: NLRP14-related condition.

Allele frequency attached by ClinVar (database versions not stated): gnomAD exomes 0.00200; ExAC 0.00264; 1000 Genomes Project 30x 0.00671; 1000 Genomes Project 0.00679; gnomAD 0.00749 and 0.00810; TOPMed 0.00884; ESP Exome Variant Server 0.00977.
gnomAD v4.1: 2,202 of 1,614,174 alleles (0.14%); highest among the groups gnomAD compares: African/African-American, 2.6%; 19 homozygotes.

Submissions (3):

Labcorp Genetics (formerly Invitae), Labcorp
Classification: Benign. Last evaluated: 2017-12-04. Review status: criteria provided, single submitter. Criteria: Invitae Variant Classification Sherloc (09022015). Collection method: clinical testing. Allele origin: germline.

Breakthrough Genomics
Classification: Benign. Review status: criteria provided, single submitter. Criteria: ACMG Guidelines, 2015. Collection method: not provided. Allele origin: germline. Inheritance: Unknown mechanism. Affected: yes.

PreventionGenetics, part of Exact Sciences
Classification: Benign for NLRP14-related condition. Last evaluated: 2019-02-24. Review status: no assertion criteria provided. Collection method: clinical testing. Allele origin: germline. Not counted in ClinVar's aggregate classification.
Comment: This variant is classified as benign based on ACMG/AMP sequence variant interpretation guidelines (Richards et al. 2015 PMID: 25741868, with internal and published modifications).